The following is an entry in ClinVar:

NM_001374385.1(ATP8B1):c.3318C>T (p.Ser1106=)

Genes: ATP8B1 (ATPase phospholipid transporting 8B1; minus strand), ATP8B1-AS1 (ATP8B1 antisense RNA 1; plus strand). Cytogenetic location: 18q21.31.
Variant type: single nucleotide variant.
Coding change: c.3318C>T on transcript NM_001374385.1 (MANE Select); coding-DNA position 3318, C replaced by T.
Protein change: p.Ser1106=; no amino-acid change (serine 1106 retained).
Molecular consequence: synonymous variant.
Genome position (GRCh38, 1-based): chr18:57,652,116, G>A on the plus strand (C>T on the coding strand, the complement: ATP8B1 is on the minus strand). VCF-style: chr18-57652116-G-A. GRCh37 (hg19) VCF-style: chr18-55319348-G-A.
Other names: c.3168C>T, p.Ser1056= (NM_001374386.1); c.3318C>T, p.Ser1106= (NM_005603.6).
Identifiers: ClinVar variation 891131 (VCV000891131.9), dbSNP rs140005450, ClinGen allele CA8974030.

ClinVar aggregate classification (germline): Conflicting classifications of pathogenicity. Review status: criteria provided, conflicting classifications (1 of 4 stars). 3 submissions from 3 submitters: Uncertain significance (1); Likely benign (1). 1 of the submissions does not count toward it. Last evaluated 2026-01-19.

Conditions:
ATP8B1-related disorder. Also called: ATP8B1-related condition; ATP8B1-related disorders.
Progressive familial intrahepatic cholestasis type 1. Also called: BYLER DISEASE; Byler's disease; Severe ATP8B1 Deficiency (Progressive Familial Intrahepatic Cholestasis Type 1 [PFIC1]). Identifiers: Orphanet 79306, MedGen C4551898, MONDO:0008892, OMIM 211600.

Allele frequency attached by ClinVar (database versions not stated): gnomAD exomes 0.00001 and 0.00002; ExAC 0.00001; gnomAD 0.00001; ESP Exome Variant Server 0.00008; TOPMed 0.00002.
gnomAD v4.1: 13 of 1,613,768 alleles (0.00081%); highest among the groups gnomAD compares: Non-Finnish European, 0.000085%; no homozygotes.

Submissions (3):

Labcorp Genetics (formerly Invitae), Labcorp
Classification: Likely benign. Last evaluated: 2026-01-19. Review status: criteria provided, single submitter. Criteria: Invitae Variant Classification Sherloc (09022015). Collection method: clinical testing. Allele origin: germline.

Illumina Laboratory Services, Illumina
Classification: Uncertain significance for Progressive familial intrahepatic cholestasis type 1. Last evaluated: 2018-01-13. Review status: criteria provided, single submitter. Criteria: ICSL Variant Classification Criteria 13 December 2019. Collection method: clinical testing. Allele origin: germline.

PreventionGenetics, part of Exact Sciences
Classification: Likely benign for ATP8B1-related condition. Last evaluated: 2023-11-11. Review status: no assertion criteria provided. Collection method: clinical testing. Allele origin: germline. Not counted in ClinVar's aggregate classification.
Comment: This variant is classified as likely benign based on ACMG/AMP sequence variant interpretation guidelines (Richards et al. 2015 PMID: 25741868, with internal and published modifications).